The following is an entry in ClinVar:

NM_000528.4(MAN2B1):c.2437-300_2719del

Genes: MAN2B1 (mannosidase alpha class 2B member 1; minus strand), LOC130063648 (ATAC-STARR-seq lymphoblastoid active region 14063; plus strand), LOC130063649 (ATAC-STARR-seq lymphoblastoid silent region 10155; plus strand). Cytogenetic location: 19p13.13.
Variant type: Deletion.
Coding change: c.2437-300_2719del on transcript NM_000528.4 (MANE Select); 300 bases into the intron before coding-DNA position 2437 through coding-DNA position 2719, 1,159 bases deleted.
Molecular consequence: splice acceptor variant, splice donor variant.
Genome position (GRCh38, 1-based): chr19:12,647,544-12,648,702, 1,159 bases deleted. GRCh37 (hg19): chr19:12,758,361-12,759,519.
Other names: c.2434-300_2716del (NM_001173498.2).
Identifiers: ClinVar variation 839971 (VCV000839971.1), ClinGen allele CA916083683.

ClinVar aggregate classification (germline): Likely pathogenic (1 of 4 stars; one submission).

Conditions:
Deficiency of alpha-mannosidase (MANSA). Also called: Mannosidosis, alpha-, types I and II; LYSOSOMAL ALPHA-D-MANNOSIDASE DEFICIENCY; Alpha-Mannosidosis. Identifiers: Orphanet 61, MedGen C0024748, MONDO:0009561, OMIM 248500.

Submission:

Labcorp Genetics (formerly Invitae), Labcorp
Classification: Likely pathogenic for Deficiency of alpha-mannosidase. Last evaluated: 2019-12-17. Review status: criteria provided, single submitter. Criteria: Invitae Variant Classification Sherloc (09022015). Collection method: clinical testing. Allele origin: germline.
Comment: This variant results in the deletion of exon 21 and part of exon 22 (c.2437-300_2719del) of the MAN2B1 gene. It is expected to disrupt RNA splicing and likely results in an absent or disrupted protein product. This variant has not been reported in the literature in individuals with MAN2B1-related conditions. Loss-of-function variants in MAN2B1 are known to be pathogenic (PMID: 9915946, 22161967). In summary, the currently available evidence indicates that the variant is pathogenic, but additional data are needed to prove that conclusively. Therefore, this variant has been classified as Likely Pathogenic.